The following is an entry in ClinVar:

NM_001367624.2(ZNF469):c.10301A>G (p.Asp3434Gly)

Gene: ZNF469 (zinc finger protein 469; plus strand). Cytogenetic location: 16q24.2.
Variant type: single nucleotide variant.
Coding change: c.10301A>G on transcript NM_001367624.2 (MANE Select); coding-DNA position 10301, A replaced by G.
Protein change: p.Asp3434Gly; replaces aspartic acid 3434 with glycine.
Molecular consequence: missense variant.
Genome position (GRCh38, 1-based): chr16:88,437,771, A>G. VCF-style: chr16-88437771-A-G. GRCh37 (hg19) VCF-style: chr16-88504179-A-G.
Other names: short protein forms D3434G.
Identifiers: ClinVar variation 4768227 (VCV004768227.1).
Genomic context (GRCh38, chr16:88,437,771, plus strand): 5'-TCAAGAAGTCCTTCGCCTGCAGCTCCTGCAACTACACCTTCGCCAAGAAGGAGCAGTTCG[A>G]CCGCCACATGAACAAGCACCTCAGGGGGGGGCGGCAGCCCTTCGCGTTCCGCGGCGTGCG-3'
Protein context (NP_001354553.1, residues 3424-3444): NYTFAKKEQF[Asp3434Gly]RHMNKHLRGG

ClinVar aggregate classification (germline): Uncertain significance (1 of 4 stars; one submission).

gnomAD v4.1: 4 of 1,549,382 alleles (0.00026%); highest among the groups gnomAD compares: Non-Finnish European, 0.00026%; no homozygotes.

Submission:

Labcorp Genetics (formerly Invitae), Labcorp
Classification: Uncertain significance. Last evaluated: 2025-04-28. Review status: criteria provided, single submitter. Criteria: Invitae Variant Classification Sherloc (09022015). Collection method: clinical testing. Allele origin: germline.
Comment: This sequence change replaces aspartic acid, which is acidic and polar, with glycine, which is neutral and non-polar, at codon 3406 of the ZNF469 protein (p.Asp3406Gly). This variant is not present in population databases (gnomAD no frequency). This variant has not been reported in the literature in individuals affected with ZNF469-related conditions. An algorithm developed to predict the effect of missense changes on protein structure and function (PolyPhen-2) suggests that this variant is likely to be disruptive. In summary, the available evidence is currently insufficient to determine the role of this variant in disease. Therefore, it has been classified as a Variant of Uncertain Significance.